The following is an entry in ClinVar:

NM_004385.5(VCAN):c.8526G>T (p.Glu2842Asp)

Genes: VCAN (versican; plus strand), VCAN-AS1 (VCAN antisense RNA 1; minus strand). Cytogenetic location: 5q14.3.
Variant type: single nucleotide variant.
Coding change: c.8526G>T on transcript NM_004385.5 (MANE Select); coding-DNA position 8526, G replaced by T.
Protein change: p.Glu2842Asp; replaces glutamic acid 2842 with aspartic acid.
Molecular consequence: missense variant. On other transcripts: intron variant (2).
Genome position (GRCh38, 1-based): chr5:83,541,529, G>T. VCF-style: chr5-83541529-G-T. GRCh37 (hg19) VCF-style: chr5-82837348-G-T.
Other names: c.5565G>T, p.Glu1855Asp (NM_001164097.2); c.4004-4008G>T (NM_001164098.2); c.1043-4008G>T (NM_001126336.3); short protein forms E1855D, E2842D.
Identifiers: ClinVar variation 3346325 (VCV003346325.1).
Genomic context (GRCh38, chr5:83,541,529, plus strand): 5'-TCAGACACCATCATCTCCCCTCACTATCTACTCAGGCAGTGAAGCCTCTGGACACACAGA[G>T]ATCCCCCAGCCCAGTGCTCTGCCAGGAATAGACGTCGGCTCATCTGTAATGTCCCCACAG-3'
Protein context (NP_004376.2, residues 2832-2852): YSGSEASGHT[Glu2842Asp]IPQPSALPGI

ClinVar aggregate classification (germline): Uncertain significance (0 of 4 stars; one submission).

Conditions:
VCAN-related disorder. Also called: VCAN-related condition.

gnomAD v4.1: 1 of 1,613,926 alleles (0.000062%); highest among the groups gnomAD compares: East Asian, 0.0022%; no homozygotes.

Submission:

PreventionGenetics, part of Exact Sciences
Classification: Uncertain significance for VCAN-related condition. Last evaluated: 2024-07-08. Review status: no assertion criteria provided. Collection method: clinical testing. Allele origin: germline.
Comment: The VCAN c.8526G>T variant is predicted to result in the amino acid substitution p.Glu2842Asp. To our knowledge, this variant has not been reported in the literature or in a large population database, indicating this variant is rare. At this time, the clinical significance of this variant is uncertain due to the absence of conclusive functional and genetic evidence.